The following is an entry in ClinVar:

ClinVar aggregate classification (germline): Uncertain significance (1 of 4 stars; one submission).

Submission:

CeGaT Center for Human Genetics Tuebingen
Classification: Uncertain significance. Last evaluated: 2022-08-01. Review status: criteria provided, single submitter. Criteria: CeGaT Center For Human Genetics Tuebingen Variant Classification Criteria Version 2. Collection method: clinical testing. Allele origin: germline. Affected: yes. Observed: 1 variant allele.
Comment: TNFRSF1A: PM2, BP4

NM_001065.4(TNFRSF1A):c.575C>A (p.Thr192Lys)

Gene: TNFRSF1A (TNF receptor superfamily member 1A; minus strand). Cytogenetic location: 12p13.31.
Variant type: single nucleotide variant.
Coding change: c.575C>A on transcript NM_001065.4 (MANE Select); coding-DNA position 575, C replaced by A.
Protein change: p.Thr192Lys; replaces threonine 192 with lysine.
Molecular consequence: missense variant.
Genome position (GRCh38, 1-based): chr12:6,330,903, G>T on the plus strand (C>A on the coding strand, the complement: TNFRSF1A is on the minus strand). VCF-style: chr12-6330903-G-T. GRCh37 (hg19) VCF-style: chr12-6440069-G-T.
Other names: c.251C>A, p.Thr84Lys (NM_001346091.2); c.116C>A, p.Thr39Lys (NM_001346092.2); short protein forms T192K, T39K, T84K.
Identifiers: ClinVar variation 2642612 (VCV002642612.24), dbSNP rs746211239, ClinGen allele CA383548117.